The following is an entry in ClinVar:

ClinVar aggregate classification (germline): Uncertain significance. Review status: criteria provided, multiple submitters, no conflicts (2 of 4 stars). 3 submissions from 3 submitters: Uncertain significance (3). Last evaluated 2026-05-26.

Conditions:
Progressive osseous heteroplasia (POH). Also called: Osseus Heteroplasia, Progressive; Osteoma cutis; ECTOPIC OSSIFICATION, FAMILIAL; Progressive Osseus Heteroplasia (POH). Identifiers: Orphanet 2762, MedGen C0334041, MONDO:0008153, OMIM 166350, HP:0025027.
Pseudohypoparathyroidism type I A (PHP1A). Also called: Pseudohypoparathyroidism Type IA; ALBRIGHT HEREDITARY OSTEODYSTROPHY WITH MULTIPLE HORMONE RESISTANCE; PHP IA; Pseudohypoparathyroidism type 1A; Pseudohypoparathyroidism Ia (PHP-Ia). Identifiers: Orphanet 79443, MedGen C3494506, MONDO:0007078, OMIM 103580.
ACTH-independent macronodular adrenal hyperplasia 1 (AIMAH1). Also called: ACTH-INDEPENDENT MACRONODULAR ADRENOCORTICAL HYPERPLASIA; ACTH-independent macronodular adrenal hyperplasia, somatic; CORTICOTROPIN-INDEPENDENT MACRONODULAR ADRENAL HYPERPLASIA; ADRENOCORTICOTROPIC HORMONE-INDEPENDENT MACRONODULAR ADRENAL HYPERPLASIA; CUSHING SYNDROME, ADRENAL, DUE TO AIMAH. Identifiers: MedGen C1857451, MONDO:0020735, OMIM 219080.
Pseudohypoparathyroidism type 1C (PHP1C). Also called: PSEUDOHYPOPARATHYROIDISM, TYPE IC; PHP IC; Pseudohypoparathyroidism Ic (PHP-Ic). Identifiers: Orphanet 79444, MedGen C2932716, MONDO:0012911, OMIM 612462.
Pseudohypoparathyroidism type 1B (PHP1B). Also called: PHP IB; Pseudohypoparathyroidism Type IB; Pseudohypoparathyroidism Ib (PHP-Ib). Identifiers: Orphanet 94089, MedGen C1864100, MONDO:0011301, OMIM 603233.
Pseudopseudohypoparathyroidism (PPHP). Also called: ALBRIGHT HEREDITARY OSTEODYSTROPHY WITHOUT MULTIPLE HORMONE RESISTANCE; Pseudopseudohypoparathyroidism (PPHP). Identifiers: Orphanet 79445, MedGen C0033835, MONDO:0012912, OMIM 612463.
Pituitary adenoma 3, multiple types. Also called: PITUITARY ADENOMA 3, ACTH-SECRETING, SOMATIC; PITUITARY ADENOMA 3, GROWTH HORMONE-SECRETING, SOMATIC. Identifiers: MedGen C4540135, MONDO:0054665, OMIM 617686.
McCune-Albright syndrome (MAS). Also called: ALBRIGHT SYNDROME; Albright's Syndrome; Albright's disease; McCune-Albright syndrome, somatic, mosaic; Fibrous Dysplasia / McCune-Albright Syndrome. Identifiers: Orphanet 562, MedGen C0242292, MONDO:0018919, OMIM 174800.
GNAS-related disorder. Identifiers: MedGen CN380105.

Allele frequency attached by ClinVar (database versions not stated): gnomAD exomes below 0.00001; gnomAD 0.00002; TOPMed 0.00003.
gnomAD v4.1: 4 of 1,578,596 alleles (0.00025%); highest among the groups gnomAD compares: African/African-American, 0.0027%; no homozygotes.

Submissions (3):

PreventionGenetics, part of Exact Sciences
Classification: Uncertain significance for GNAS-related condition. Last evaluated: 2026-05-26. Review status: criteria provided, single submitter. Criteria: ACMG Guidelines, 2015. Collection method: clinical testing. Allele origin: germline.
Comment: The GNAS c.1088C>T variant is predicted to result in the amino acid substitution p.Ser363Leu. In the primary transcript (NM_000516), this variant falls within a pre-coding region (c.-37187C>T). To our knowledge, this variant has not been reported in the literature or in a large population database (gnomAD), indicating this variant is rare. At this time, the clinical significance of this variant is uncertain due to the absence of conclusive functional and genetic evidence.

Fulgent Genetics
Classification: Uncertain significance for Pseudohypoparathyroidism type I A; Progressive osseous heteroplasia; McCune-Albright syndrome; ACTH-independent macronodular adrenal hyperplasia 1; Pseudohypoparathyroidism type 1B; Pseudohypoparathyroidism type 1C; Pseudopseudohypoparathyroidism; Pituitary adenoma 3, multiple types. Last evaluated: 2021-12-27. Review status: criteria provided, single submitter. Criteria: ACMG Guidelines, 2015. Collection method: clinical testing. Allele origin: unknown.

GeneDx
Classification: Uncertain significance. Last evaluated: 2020-02-18. Review status: criteria provided, single submitter. Criteria: GeneDx Variant Classification Process June 2021. Collection method: clinical testing. Allele origin: germline. Affected: yes.
Comment: Not observed in large population cohorts (Lek et al., 2016); In silico analysis supports that this missense variant does not alter protein structure/function; Has not been previously published as pathogenic or benign to our knowledge

NM_080425.4(GNAS):c.1275C>T (p.Phe425=)

Gene: GNAS (GNAS complex locus; plus strand). Cytogenetic location: 20q13.32.
Variant type: single nucleotide variant.
Coding change: c.1275C>T on transcript NM_080425.4 (MANE Plus Clinical); coding-DNA position 1275, C replaced by T.
Protein change: p.Phe425=; no amino-acid change (phenylalanine 425 retained).
Molecular consequence: synonymous variant. On other transcripts: genic upstream transcript variant (1), missense variant (2), intron variant (3).
Genome position (GRCh38, 1-based): chr20:58,854,540, C>T. VCF-style: chr20-58854540-C-T. GRCh37 (hg19) VCF-style: chr20-57429595-C-T.
Other names: c.-37187C>T (NM_000516.7); c.1088C>T (NM_001077490.2); c.1088C>T, p.Ser363Leu (NM_001077490.3, NM_001309883.1); c.1275C>T, p.Phe425= (NM_001410913.1); c.*42+13654C>T (NM_016592.5); c.43+13654C>T (NM_001410912.1); c.-39+12665C>T (NM_001309861.2); short protein forms S363L.
Identifiers: ClinVar variation 1315968 (VCV001315968.6), dbSNP rs867492591, ClinGen allele CA316342497.